The following is an entry in ClinVar:

NM_001001563.5(TIMM50):c.954A>G (p.Leu318=)

Gene: TIMM50 (translocase of inner mitochondrial membrane 50; plus strand). Cytogenetic location: 19q13.2.
Variant type: single nucleotide variant.
Coding change: c.954A>G on transcript NM_001001563.5 (MANE Select); coding-DNA position 954, A replaced by G.
Protein change: p.Leu318=; no amino-acid change (leucine 318 retained).
Molecular consequence: synonymous variant.
Genome position (GRCh38, 1-based): chr19:39,488,639, A>G. VCF-style: chr19-39488639-A-G. GRCh37 (hg19) VCF-style: chr19-39979279-A-G.
Other names: c.615A>G, p.Leu205= (NM_001329559.2).
Identifiers: ClinVar variation 1532265 (VCV001532265.15), dbSNP rs771735760, ClinGen allele CA9432020.

ClinVar aggregate classification (germline): Likely benign. Review status: criteria provided, multiple submitters, no conflicts (2 of 4 stars). 2 submissions from 2 submitters: Likely benign (2). Last evaluated 2025-07-01.

Allele frequency attached by ClinVar (database versions not stated): gnomAD exomes below 0.00001 and 0.00003; gnomAD 0.00001; TOPMed 0.00001; ExAC 0.00002.
gnomAD v4.1: 40 of 1,613,596 alleles (0.0025%); highest among the groups gnomAD compares: Non-Finnish European, 0.0033%; no homozygotes.

Submissions (2):

CeGaT Center for Human Genetics Tuebingen
Classification: Likely benign. Last evaluated: 2025-07-01. Review status: criteria provided, single submitter. Criteria: CeGaT Center For Human Genetics Tuebingen Variant Classification Criteria Version 2. Collection method: clinical testing. Allele origin: germline. Affected: yes. Observed: 1 variant allele.
Comment: TIMM50: BP4, BP7

Labcorp Genetics (formerly Invitae), Labcorp
Classification: Likely benign. Last evaluated: 2025-06-11. Review status: criteria provided, single submitter. Criteria: Invitae Variant Classification Sherloc (09022015). Collection method: clinical testing. Allele origin: germline.